The following is an entry in ClinVar:

NM_017534.6(MYH2):c.2343G>C (p.Glu781Asp)

Genes: MYHAS (myosin heavy chain gene cluster antisense RNA; plus strand), MYH2 (myosin heavy chain 2; minus strand). Cytogenetic location: 17p13.1.
Variant type: single nucleotide variant.
Coding change: c.2343G>C on transcript NM_017534.6 (MANE Select); coding-DNA position 2343, G replaced by C.
Protein change: p.Glu781Asp; replaces glutamic acid 781 with aspartic acid.
Molecular consequence: missense variant.
Genome position (GRCh38, 1-based): chr17:10,533,383, C>G on the plus strand (G>C on the coding strand, the complement: MYH2 is on the minus strand). VCF-style: chr17-10533383-C-G. GRCh37 (hg19) VCF-style: chr17-10436700-C-G.
Other names: c.2343G>C, p.Glu781Asp (NM_001100112.2); short protein forms E781D.
Identifiers: ClinVar variation 1716924 (VCV001716924.6), dbSNP rs1284402639, ClinGen allele CA398148420.

ClinVar aggregate classification (germline): Uncertain significance (1 of 4 stars; one submission).

Conditions:
Myopathy, proximal, and ophthalmoplegia (CMYO6). Also called: CONGENITAL MYOPATHY 6 WITH OPHTHALMOPLEGIA; MYOPATHY WITH CONGENITAL JOINT CONTRACTURES, OPHTHALMOPLEGIA, AND RIMMED VACUOLES; INCLUSION BODY MYOPATHY 3, AUTOSOMAL DOMINANT. Identifiers: Orphanet 363677, Orphanet 79091, MedGen C1854106, MONDO:0011577, OMIM 605637.

Submission:

Labcorp Genetics (formerly Invitae), Labcorp
Classification: Uncertain significance for Myopathy, proximal, and ophthalmoplegia. Last evaluated: 2022-08-31. Review status: criteria provided, single submitter. Criteria: Invitae Variant Classification Sherloc (09022015). Collection method: clinical testing. Allele origin: germline.
Comment: In summary, the available evidence is currently insufficient to determine the role of this variant in disease. Therefore, it has been classified as a Variant of Uncertain Significance. Algorithms developed to predict the effect of missense changes on protein structure and function are either unavailable or do not agree on the potential impact of this missense change (SIFT: "Deleterious"; PolyPhen-2: "Benign"; Align-GVGD: "Class C35"). This variant has not been reported in the literature in individuals affected with MYH2-related conditions. This variant is not present in population databases (gnomAD no frequency). This sequence change replaces glutamic acid, which is acidic and polar, with aspartic acid, which is acidic and polar, at codon 781 of the MYH2 protein (p.Glu781Asp).